The following is an entry in ClinVar:

ClinVar aggregate classification (germline): Uncertain significance (1 of 4 stars; one submission).

Conditions:
Hao-Fountain syndrome due to USP7 mutation. Also called: USP7-Related Hao Fountain Syndrome. Identifiers: Orphanet 643538, MedGen C5816734, MONDO:0958071, OMIM 616863.

gnomAD v4.1: 2 of 1,611,554 alleles (0.00012%); highest among the groups gnomAD compares: Non-Finnish European, 0.000085%; no homozygotes.

Submission:

Laboratorio de Genetica e Diagnostico Molecular, Hospital Israelita Albert Einstein
Classification: Uncertain significance for Hao-Fountain syndrome due to USP7 mutation. Last evaluated: 2024-10-11. Review status: criteria provided, single submitter. Criteria: ACMG Guidelines, 2015. Collection method: clinical testing. Allele origin: germline. Affected: yes.
Comment: ACMG classification criteria: PM2 supporting, BP4 supporting

NM_003470.3(USP7):c.3202+6G>T

Gene: USP7 (ubiquitin specific peptidase 7; minus strand). Cytogenetic location: 16p13.2.
Variant type: single nucleotide variant.
Coding change: c.3202+6G>T on transcript NM_003470.3 (MANE Select); 6 bases into the intron after coding-DNA position 3202, G replaced by T.
Molecular consequence: intron variant.
Genome position (GRCh38, 1-based): chr16:8,894,544, C>A on the plus strand (G>T on the coding strand, the complement: USP7 is on the minus strand). VCF-style: chr16-8894544-C-A. GRCh37 (hg19) VCF-style: chr16-8988401-C-A.
Other names: c.3028+6G>T (NM_001321858.2); c.3154+6G>T (NM_001286457.2); c.2905+6G>T (NM_001286458.2).
Identifiers: ClinVar variation 4076296 (VCV004076296.1).